The following is an entry in ClinVar:

NC_000012.12:g.15322059AC[5]

Gene: PTPRO (protein tyrosine phosphatase receptor type O; plus strand). Cytogenetic location: 12p12.3.
Variant type: Microsatellite.
Genome position: GRCh38 VCF-style: chr12-15322057-T-TCA. GRCh37 (hg19) VCF-style: chr12-15474991-T-TCA.
Identifiers: ClinVar variation 1707139 (VCV001707139.3), dbSNP rs543534905, ClinGen allele CA233423977.
Genomic context (GRCh38, chr12:15,322,057, plus strand): 5'-GTGTTGAAATGGGATGGAGATAATGGAAGCAGTGGGGAAGGAGAGAAAATACCCTTCCTA[T>TCA]CACACACACTCACACACTCACACTACACACTATTTCTACAGTCACAACTACCCAACTGTT-3'

ClinVar aggregate classification (germline): Likely benign (1 of 4 stars; one submission).

Submission:

GeneDx
Classification: Likely benign. Last evaluated: 2020-04-26. Review status: criteria provided, single submitter. Criteria: GeneDx Variant Classification Process June 2021. Collection method: clinical testing. Allele origin: germline. Affected: yes.
Comment: See Variant Classification Assertion Criteria.